The following is an entry in ClinVar:

NM_007194.4(CHEK2):c.202A>G (p.Thr68Ala)

Gene: CHEK2 (checkpoint kinase 2; minus strand). Cytogenetic location: 22q12.1.
Variant type: single nucleotide variant.
Coding change: c.202A>G on transcript NM_007194.4 (MANE Select); coding-DNA position 202, A replaced by G.
Protein change: p.Thr68Ala; replaces threonine 68 with alanine.
Molecular consequence: missense variant.
Genome position (GRCh38, 1-based): chr22:28,734,520, T>C on the plus strand (A>G on the coding strand, the complement: CHEK2 is on the minus strand). VCF-style: chr22-28734520-T-C. GRCh37 (hg19) VCF-style: chr22-29130508-T-C.
Other names: c.202A>G, p.Thr68Ala (NM_001005735.3, NM_001349956.3, NM_145862.3); c.-576A>G (NM_001257387.3); short protein forms T68A.
Identifiers: ClinVar variation 2056210 (VCV002056210.6), dbSNP rs2146147681, ClinGen allele CA411090799.

ClinVar aggregate classification (germline): Uncertain significance. Review status: criteria provided, multiple submitters, no conflicts (2 of 4 stars). 3 submissions from 3 submitters: Uncertain significance (3). Last evaluated 2025-04-16.

Conditions:
Hereditary cancer-predisposing syndrome. Also called: Tumor predisposition; Hereditary Cancer Syndrome; Neoplastic Syndromes, Hereditary; Hereditary neoplastic syndrome. Identifiers: Orphanet 140162, MedGen C0027672, MeSH D009386, MONDO:0015356.
Familial cancer of breast. Also called: hereditary breast carcinoma; BREAST CANCER, FAMILIAL; Hereditary breast cancer. Identifiers: Orphanet 227535, MedGen C0346153, MONDO:0016419, OMIM 114480. Disease mechanism: loss of function.

Submissions (3):

Ambry Genetics
Classification: Uncertain significance for Hereditary cancer-predisposing syndrome. Last evaluated: 2025-04-16. Review status: criteria provided, single submitter. Criteria: Ambry Variant Classification Scheme 2023. Collection method: clinical testing. Allele origin: germline.
Comment: The p.T68A variant (also known as c.202A>G), located in coding exon 1 of the CHEK2 gene, results from an A to G substitution at nucleotide position 202. The threonine at codon 68 is replaced by alanine, an amino acid with similar properties. Protein functional studies for this variant show conflicting impacts (Delimitsou A et al. Hum Mutat, 2019 May;40:631-648; Stolarova L et al. Clin Cancer Res, 2023 Aug;29:3037-3050). This amino acid position is well conserved in available vertebrate species. In addition, this alteration is predicted to be deleterious by in silico analysis. Based on the available evidence, the clinical significance of this variant remains unclear.

Quest Diagnostics Nichols Institute San Juan Capistrano
Classification: Uncertain significance. Last evaluated: 2025-03-21. Review status: criteria provided, single submitter. Criteria: Quest Diagnostics criteria. Collection method: clinical testing. Allele origin: unknown.
Comment: The CHEK2 c.202A>G (p.Thr68Ala) variant has been reported in the published literature to have an inconclusive effect on CHEK2 protein function (PMID: 30851065 (2019), 37449874 (2023)). This variant has not been reported in large, multi-ethnic general populations (Genome Aggregation Database). Analysis of this variant using bioinformatics tools for the prediction of the effect of amino acid changes on protein structure and function yielded predictions that this variant is benign. Based on the available information, we are unable to determine the clinical significance of this variant.

Labcorp Genetics (formerly Invitae), Labcorp
Classification: Uncertain significance for Familial cancer of breast. Last evaluated: 2024-06-04. Review status: criteria provided, single submitter. Criteria: Invitae Variant Classification Sherloc (09022015). Collection method: clinical testing. Allele origin: germline.
Comment: This sequence change replaces threonine, which is neutral and polar, with alanine, which is neutral and non-polar, at codon 68 of the CHEK2 protein (p.Thr68Ala). This variant is not present in population databases (gnomAD no frequency). This variant has not been reported in the literature in individuals affected with CHEK2-related conditions. ClinVar contains an entry for this variant (Variation ID: 2056210). An algorithm developed to predict the effect of missense changes on protein structure and function (PolyPhen-2) suggests that this variant is likely to be disruptive. In summary, the available evidence is currently insufficient to determine the role of this variant in disease. Therefore, it has been classified as a Variant of Uncertain Significance.

Literature cited by the submitters: PubMed 30851065 (cited by Ambry Genetics and Quest Diagnostics Nichols Institute San Juan Capistrano); PubMed 37449874 (cited by Ambry Genetics and Quest Diagnostics Nichols Institute San Juan Capistrano).